The following is an entry in ClinVar:

NM_000492.4(CFTR):c.1502C>T (p.Thr501Ile)

Genes: CFTR (CF transmembrane conductance regulator; plus strand), CFTR-AS1 (CFTR antisense RNA 1; minus strand). Cytogenetic location: 7q31.2.
Variant type: single nucleotide variant.
Coding change: c.1502C>T on transcript NM_000492.4 (MANE Select); coding-DNA position 1502, C replaced by T.
Protein change: p.Thr501Ile; replaces threonine 501 with isoleucine.
Molecular consequence: missense variant.
Genome position (GRCh38, 1-based): chr7:117,559,573, C>T. VCF-style: chr7-117559573-C-T. GRCh37 (hg19) VCF-style: chr7-117199627-C-T.
Other names: short protein forms T501I.
Identifiers: ClinVar variation 1052121 (VCV001052121.10), dbSNP rs1799421850, ClinGen allele CA368984637.

ClinVar aggregate classification (germline): Likely pathogenic. Review status: criteria provided, single submitter (1 of 4 stars). 2 submissions from 2 submitters: Likely pathogenic (1). 1 of the submissions does not count toward it. Last evaluated 2020-12-04.

Conditions:
Cystic fibrosis (CF). Also called: MUCOVISCIDOSIS. Identifiers: Orphanet 586, MedGen C0010674, MONDO:0009061, OMIM 219700. Disease mechanism: loss of function.
CFTR-related disorder (CFTR-RD). Also called: CFTR-related disorders; CFTR-related condition. Identifiers: MedGen C5924204, MONDO:7770004.

Submissions (2):

Labcorp Genetics (formerly Invitae), Labcorp
Classification: Likely pathogenic for Cystic fibrosis. Last evaluated: 2020-12-04. Review status: criteria provided, single submitter. Criteria: Invitae Variant Classification Sherloc (09022015). Collection method: clinical testing. Allele origin: germline.
Comment: This sequence change replaces threonine with isoleucine at codon 501 of the CFTR protein (p.Thr501Ile). The threonine residue is highly conserved and there is a moderate physicochemical difference between threonine and isoleucine. This variant is not present in population databases (ExAC no frequency). This variant has been observed in individual(s) with clinical features of cystic fibrosis (Invitae). In at least one individual the data is consistent with the variant being in trans (on the opposite chromosome) from a pathogenic variant. Advanced modeling of protein sequence and biophysical properties (such as structural, functional, and spatial information, amino acid conservation, physicochemical variation, residue mobility, and thermodynamic stability) performed at Invitae indicates that this missense variant is expected to disrupt CFTR protein function. In summary, the currently available evidence indicates that the variant is pathogenic, but additional data are needed to prove that conclusively. Therefore, this variant has been classified as Likely Pathogenic.

Natera, Inc.
Classification: Uncertain significance for CFTR-related disorders. Last evaluated: 2021-08-02. Review status: no assertion criteria provided. Collection method: clinical testing. Allele origin: germline. Not counted in ClinVar's aggregate classification.